The following is an entry in ClinVar:

NM_000334.4(SCN4A):c.749T>A (p.Leu250Gln)

Gene: SCN4A (sodium voltage-gated channel alpha subunit 4; minus strand). Cytogenetic location: 17q23.3.
Variant type: single nucleotide variant.
Coding change: c.749T>A on transcript NM_000334.4 (MANE Select); coding-DNA position 749, T replaced by A.
Protein change: p.Leu250Gln; replaces leucine 250 with glutamine.
Molecular consequence: missense variant.
Genome position (GRCh38, 1-based): chr17:63,968,310, A>T on the plus strand (T>A on the coding strand, the complement: SCN4A is on the minus strand). VCF-style: chr17-63968310-A-T. GRCh37 (hg19) VCF-style: chr17-62045670-A-T.
Other names: short protein forms L250Q.
Identifiers: ClinVar variation 3372092 (VCV003372092.1).

ClinVar aggregate classification (germline): Uncertain significance (1 of 4 stars; one submission).

Submission:

GeneDx
Classification: Uncertain significance. Last evaluated: 2024-04-08. Review status: criteria provided, single submitter. Criteria: GeneDx Variant Classification Process June 2021. Collection method: clinical testing. Allele origin: germline. Affected: yes.
Comment: Not observed at significant frequency in large population cohorts (gnomAD); In silico analysis supports that this missense variant has a deleterious effect on protein structure/function; Has not been previously published as pathogenic or benign to our knowledge